The following is an entry in ClinVar:

NM_080425.4(GNAS):c.-58G>A

Gene: GNAS (GNAS complex locus; plus strand). Cytogenetic location: 20q13.32.
Variant type: single nucleotide variant.
Coding change: c.-58G>A on transcript NM_080425.4 (MANE Plus Clinical); 58 bases upstream of the start codon, G replaced by A.
Molecular consequence: 5 prime UTR variant. On other transcripts: intron variant (3).
Genome position (GRCh38, 1-based): chr20:58,853,208, G>A. VCF-style: chr20-58853208-G-A. GRCh37 (hg19) VCF-style: chr20-57428263-G-A.
Other names: c.-245G>A (NM_001077490.3, NM_001309883.1); c.-58G>A (NM_001410913.1); c.*42+12322G>A (NM_016592.5); c.43+12322G>A (NM_001410912.1); c.-39+11333G>A (NM_001309861.2).
Identifiers: ClinVar variation 3043335 (VCV003043335.2), dbSNP rs544182317, ClinGen allele CA316340983.

ClinVar aggregate classification (germline): Likely benign (0 of 4 stars; one submission).

Conditions:
GNAS-related disorder. Identifiers: MedGen CN380105.

Allele frequency attached by ClinVar (database versions not stated): gnomAD 0.00003; TOPMed 0.00002; 1000 Genomes Project 30x 0.00016; 1000 Genomes Project 0.00020.
gnomAD v4.1: 24 of 1,479,908 alleles (0.0016%); highest among the groups gnomAD compares: Middle Eastern, 0.11%; no homozygotes.

Submission:

PreventionGenetics, part of Exact Sciences
Classification: Likely benign for GNAS-related condition. Last evaluated: 2022-02-28. Review status: no assertion criteria provided. Collection method: clinical testing. Allele origin: germline.
Comment: This variant is classified as likely benign based on ACMG/AMP sequence variant interpretation guidelines (Richards et al. 2015 PMID: 25741868, with internal and published modifications).